The following is an entry in ClinVar:

NM_024876.4(COQ8B):c.800-5C>A

Gene: COQ8B (coenzyme Q8B; minus strand). Cytogenetic location: 19q13.2.
Variant type: single nucleotide variant.
Coding change: c.800-5C>A on transcript NM_024876.4 (MANE Select); 5 bases into the intron before coding-DNA position 800, C replaced by A.
Molecular consequence: intron variant.
Genome position (GRCh38, 1-based): chr19:40,702,698, G>T on the plus strand (C>A on the coding strand, the complement: COQ8B is on the minus strand). VCF-style: chr19-40702698-G-T. GRCh37 (hg19) VCF-style: chr19-41208603-G-T.
Other names: c.677-5C>A (NM_001142555.3).
Identifiers: ClinVar variation 2182174 (VCV002182174.4), dbSNP rs199624079, ClinGen allele CA9450253.

ClinVar aggregate classification (germline): Uncertain significance (1 of 4 stars; one submission).

gnomAD v4.1: 8 of 1,606,482 alleles (0.0005%); highest among the groups gnomAD compares: Admixed American, 0.01%; no homozygotes.

Submission:

Labcorp Genetics (formerly Invitae), Labcorp
Classification: Uncertain significance. Last evaluated: 2022-08-05. Review status: criteria provided, single submitter. Criteria: Invitae Variant Classification Sherloc (09022015). Collection method: clinical testing. Allele origin: germline.
Comment: Algorithms developed to predict the effect of sequence changes on RNA splicing suggest that this variant may create or strengthen a splice site. In summary, the available evidence is currently insufficient to determine the role of this variant in disease. Therefore, it has been classified as a Variant of Uncertain Significance. This variant has not been reported in the literature in individuals affected with COQ8B-related conditions. This variant is present in population databases (rs199624079, gnomAD 0.01%). This sequence change falls in intron 9 of the COQ8B gene. It does not directly change the encoded amino acid sequence of the COQ8B protein.